The following is an entry in ClinVar:

ClinVar aggregate classification (germline): Pathogenic (1 of 4 stars; one submission).

Submission:

Labcorp Genetics (formerly Invitae), Labcorp
Classification: Pathogenic. Last evaluated: 2022-06-27. Review status: criteria provided, single submitter. Criteria: Invitae Variant Classification Sherloc (09022015). Collection method: clinical testing. Allele origin: germline.
Comment: This sequence change creates a premature translational stop signal (p.Gln12Argfs*30) in the MGME1 gene. It is expected to result in an absent or disrupted protein product. Loss-of-function variants in MGME1 are known to be pathogenic (PMID: 23313956). This variant is not present in population databases (gnomAD no frequency). This variant has not been reported in the literature in individuals affected with MGME1-related conditions. For these reasons, this variant has been classified as Pathogenic.

Literature cited by the submitters: PubMed 23313956.

NM_052865.4(MGME1):c.35del (p.Gln12fs)

Genes: MGME1 (mitochondrial genome maintenance exonuclease 1; plus strand), LOC126862983 (CDK7 strongly-dependent group 2 enhancer GRCh37_chr20:17950167-17951366; plus strand). Cytogenetic location: 20p11.23.
Variant type: Deletion.
Coding change: c.35del on transcript NM_052865.4 (MANE Select); coding-DNA position 35, one base deleted (A; older notation c.35delA).
Protein change: p.Gln12fs; shifts the reading frame from glutamine 12.
Molecular consequence: frameshift variant.
Genome position (GRCh38, 1-based): chr20:17,969,894, A deleted. VCF-style (leftmost placement, unchanged base first): chr20-17969893-CA-C. GRCh37 (hg19) VCF-style: chr20-17950536-CA-C.
Other names: c.35del, p.Gln12fs (NM_001310338.2, NM_001310339.2, NM_001363738.2); short protein forms Q12fs.
Identifiers: ClinVar variation 2041766 (VCV002041766.1), dbSNP rs2515216801, ClinGen allele CA2580097926.